The following is an entry in ClinVar:

ClinVar aggregate classification (germline): Uncertain significance (1 of 4 stars; one submission).

Conditions:
Telangiectasia, hereditary hemorrhagic, type 2 (HHT2). Also called: Telangiectasia, hereditary hemorrhagic, type II; ACVRL1-Related Hereditary Hemorrhagic Telangiectasia. Identifiers: Orphanet 774, MedGen C1838163, MONDO:0010880, OMIM 600376. Disease mechanism: loss of function.

Submission:

Labcorp Genetics (formerly Invitae), Labcorp
Classification: Uncertain significance for Telangiectasia, hereditary hemorrhagic, type 2. Last evaluated: 2024-10-27. Review status: criteria provided, single submitter. Criteria: Invitae Variant Classification Sherloc (09022015). Collection method: clinical testing. Allele origin: germline.
Comment: This sequence change replaces threonine, which is neutral and polar, with asparagine, which is neutral and polar, at codon 396 of the ACVRL1 protein (p.Thr396Asn). This variant is not present in population databases (gnomAD no frequency). This missense change has been observed in individual(s) with clinical features of ACVRL1 related conditions (PMID: 21158752). Invitae Evidence Modeling of protein sequence and biophysical properties (such as structural, functional, and spatial information, amino acid conservation, physicochemical variation, residue mobility, and thermodynamic stability) has been performed for this missense variant. However, the output from this modeling did not meet the statistical confidence thresholds required to predict the impact of this variant on ACVRL1 protein function. In summary, the available evidence is currently insufficient to determine the role of this variant in disease. Therefore, it has been classified as a Variant of Uncertain Significance.

Literature cited by the submitters: PubMed 21158752.

NM_000020.3(ACVRL1):c.1187C>A (p.Thr396Asn)

Gene: ACVRL1 (activin A receptor like type 1; plus strand). Cytogenetic location: 12q13.13.
Variant type: single nucleotide variant.
Coding change: c.1187C>A on transcript NM_000020.3 (MANE Select); coding-DNA position 1187, C replaced by A.
Protein change: p.Thr396Asn; replaces threonine 396 with asparagine.
Molecular consequence: missense variant. On other transcripts: intron variant (1).
Genome position (GRCh38, 1-based): chr12:51,916,174, C>A. VCF-style: chr12-51916174-C-A. GRCh37 (hg19) VCF-style: chr12-52309958-C-A.
Other names: c.1187C>A, p.Thr396Asn (NM_001406487.1, NM_001406488.1, NM_001406489.1 and 1 more transcripts); c.875C>A, p.Thr292Asn (NM_001406490.1, NM_001406491.1, NM_001406492.1 and 1 more transcripts); c.623C>A, p.Thr208Asn (NM_001406495.1); c.736+674C>A (NM_001406494.1); short protein forms T292N, T396N, T208N.
Identifiers: ClinVar variation 3721156 (VCV003721156.2).